The following is an entry in ClinVar:

NM_013328.4(PYCR2):c.257T>G (p.Val86Gly)

Gene: PYCR2 (pyrroline-5-carboxylate reductase 2; minus strand). Cytogenetic location: 1q42.12.
Variant type: single nucleotide variant.
Coding change: c.257T>G on transcript NM_013328.4 (MANE Select); coding-DNA position 257, T replaced by G.
Protein change: p.Val86Gly; replaces valine 86 with glycine.
Molecular consequence: missense variant.
Genome position (GRCh38, 1-based): chr1:225,922,265, A>C on the plus strand (T>G on the coding strand, the complement: PYCR2 is on the minus strand). VCF-style: chr1-225922265-A-C. GRCh37 (hg19) VCF-style: chr1-226109965-A-C.
Other names: c.257T>G, p.Val86Gly (NM_001271681.2); short protein forms V86G.
Identifiers: ClinVar variation 872904 (VCV000872904.2), dbSNP rs1671863383, ClinGen allele CA345007106.

ClinVar aggregate classification (germline): Likely pathogenic (1 of 4 stars; one submission).

Conditions:
Leukodystrophy, hypomyelinating, 10. Also called: PYCR2-related microcephaly-progressive leukoencephalopathy. Identifiers: Orphanet 481152, MedGen C4225332, MONDO:0014632, OMIM 616420.

Submission:

Center of Excellence in Precision Medicine and Digital Health (CEPMDH), Faculty of Dentistry, Chulalongkorn University
Classification: Likely pathogenic for Leukodystrophy, hypomyelinating, 10. Review status: criteria provided, single submitter. Criteria: ACMG Guidelines, 2015. Collection method: research. Allele origin: germline. Inheritance: Autosomal recessive inheritance. Affected: yes. Observed: 1 variant allele, 1 compound heterozygote.
Comment: The 4 c.257T>G (p.Val86Gly) in PYCR2 located in NAD(P)-binding domain. The missense mutation in this domain was previously reported in patients with hypomyelinating leukodystrophy 10 (Nakayama et al., 2015). The variant is classified as likely pathogenic using ACMG guideline with the following evidence; PM1, PM2, PP2, PP3, and PP4.